The following is an entry in ClinVar:

NM_007118.4(TRIO):c.8840A>G (p.Tyr2947Cys)

Gene: TRIO (trio Rho guanine nucleotide exchange factor; plus strand). Cytogenetic location: 5p15.2.
Variant type: single nucleotide variant.
Coding change: c.8840A>G on transcript NM_007118.4 (MANE Select); coding-DNA position 8840, A replaced by G.
Protein change: p.Tyr2947Cys; replaces tyrosine 2947 with cysteine.
Molecular consequence: missense variant. On other transcripts: non-coding transcript variant (1).
Genome position (GRCh38, 1-based): chr5:14,507,968, A>G. VCF-style: chr5-14507968-A-G. GRCh37 (hg19) VCF-style: chr5-14508077-A-G.
Other names: c.8840A>G (NM_007118.2); short protein forms Y2947C.
Identifiers: ClinVar variation 2633525 (VCV002633525.2), dbSNP rs2477739053, ClinGen allele CA359240820.

ClinVar aggregate classification (germline): Uncertain significance. Review status: criteria provided, multiple submitters, no conflicts (2 of 4 stars). 2 submissions from 2 submitters: Uncertain significance (2). Last evaluated 2024-03-18.

Conditions:
TRIO-related disorder. Also called: TRIO-related condition; TRIO-related disorders.

Submissions (2):

GeneDx
Classification: Uncertain significance. Last evaluated: 2024-03-18. Review status: criteria provided, single submitter. Criteria: GeneDx Variant Classification Process June 2021. Collection method: clinical testing. Allele origin: germline. Affected: yes.
Comment: Not observed at significant frequency in large population cohorts (gnomAD); In silico analysis supports that this missense variant has a deleterious effect on protein structure/function; Has not been previously published as pathogenic or benign to our knowledge

PreventionGenetics, part of Exact Sciences
Classification: Uncertain significance for TRIO-related condition. Last evaluated: 2023-03-23. Review status: criteria provided, single submitter. Criteria: ACMG Guidelines, 2015. Collection method: clinical testing. Allele origin: germline.
Comment: The TRIO c.8840A>G variant is predicted to result in the amino acid substitution p.Tyr2947Cys. To our knowledge, this variant has not been reported in the literature or in a large population database, indicating this variant is rare. At this time, the clinical significance of this variant is uncertain due to the absence of conclusive functional and genetic evidence.